The following is an entry in ClinVar:

ClinVar aggregate classification (germline): Uncertain significance. Review status: criteria provided, multiple submitters, no conflicts (2 of 4 stars). 2 submissions from 2 submitters: Uncertain significance (2). Last evaluated 2024-08-20.

Conditions:
Inborn genetic diseases. Identifiers: MedGen C0950123, MeSH D030342.
Short-rib thoracic dysplasia 13 with or without polydactyly (SRTD13). Identifiers: Orphanet 474, MedGen C4225378, MONDO:0014577, OMIM 616300.

Allele frequency attached by ClinVar (database versions not stated): gnomAD exomes 0.00002; gnomAD 0.00004; ExAC 0.00005; TOPMed 0.00005; ESP Exome Variant Server 0.00008.
gnomAD v4.1: 31 of 1,607,856 alleles (0.0019%); highest among the groups gnomAD compares: African/African-American, 0.008%; no homozygotes.

Submissions (2):

Ambry Genetics
Classification: Uncertain significance for Inborn genetic diseases. Last evaluated: 2024-08-20. Review status: criteria provided, single submitter. Criteria: Ambry Variant Classification Scheme 2023. Collection method: clinical testing. Allele origin: germline.

Labcorp Genetics (formerly Invitae), Labcorp
Classification: Uncertain significance for Short-rib thoracic dysplasia 13 with or without polydactyly. Last evaluated: 2022-06-20. Review status: criteria provided, single submitter. Criteria: Invitae Variant Classification Sherloc (09022015). Collection method: clinical testing. Allele origin: germline.
Comment: This sequence change replaces asparagine, which is neutral and polar, with serine, which is neutral and polar, at codon 435 of the CEP120 protein (p.Asn435Ser). This variant is present in population databases (rs368287993, gnomAD 0.01%). This variant has not been reported in the literature in individuals affected with CEP120-related conditions. Algorithms developed to predict the effect of missense changes on protein structure and function output the following: SIFT: "Tolerated"; PolyPhen-2: "Benign"; Align-GVGD: "Class C0". The serine amino acid residue is found in multiple mammalian species, which suggests that this missense change does not adversely affect protein function. In summary, the available evidence is currently insufficient to determine the role of this variant in disease. Therefore, it has been classified as a Variant of Uncertain Significance.

NM_001375405.1(CEP120):c.1304A>G (p.Asn435Ser)

Gene: CEP120 (centrosomal protein 120; minus strand). Cytogenetic location: 5q23.2.
Variant type: single nucleotide variant.
Coding change: c.1304A>G on transcript NM_001375405.1 (MANE Select); coding-DNA position 1304, A replaced by G.
Protein change: p.Asn435Ser; replaces asparagine 435 with serine.
Molecular consequence: missense variant. On other transcripts: non-coding transcript variant (1).
Genome position (GRCh38, 1-based): chr5:123,388,558, T>C on the plus strand (A>G on the coding strand, the complement: CEP120 is on the minus strand). VCF-style: chr5-123388558-T-C. GRCh37 (hg19) VCF-style: chr5-122724252-T-C.
Other names: c.1226A>G, p.Asn409Ser (NM_001166226.2); c.1169A>G, p.Asn390Ser (NM_001375406.1); c.1304A>G, p.Asn435Ser (NM_001375407.1, NM_153223.4); c.731A>G, p.Asn244Ser (NM_001375408.1, NM_001375409.1); c.1304A>G (NM_153223.3); short protein forms N244S, N435S, N390S, N409S.
Identifiers: ClinVar variation 2043774 (VCV002043774.2), dbSNP rs368287993, ClinGen allele CA3387006.